The following is an entry in ClinVar:

NM_002473.6(MYH9):c.4241C>T (p.Thr1414Ile)

Gene: MYH9 (myosin heavy chain 9; minus strand). Cytogenetic location: 22q12.3.
Variant type: single nucleotide variant.
Coding change: c.4241C>T on transcript NM_002473.6 (MANE Select); coding-DNA position 4241, C replaced by T.
Protein change: p.Thr1414Ile; replaces threonine 1414 with isoleucine.
Molecular consequence: missense variant.
Genome position (GRCh38, 1-based): chr22:36,292,089, G>A on the plus strand (C>T on the coding strand, the complement: MYH9 is on the minus strand). VCF-style: chr22-36292089-G-A. GRCh37 (hg19) VCF-style: chr22-36688135-G-A.
Other names: short protein forms T1414I.
Identifiers: ClinVar variation 3717932 (VCV003717932.2).

ClinVar aggregate classification (germline): Uncertain significance (1 of 4 stars; one submission).

Submission:

Labcorp Genetics (formerly Invitae), Labcorp
Classification: Uncertain significance. Last evaluated: 2024-09-19. Review status: criteria provided, single submitter. Criteria: Invitae Variant Classification Sherloc (09022015). Collection method: clinical testing. Allele origin: germline.
Comment: This sequence change replaces threonine, which is neutral and polar, with isoleucine, which is neutral and non-polar, at codon 1414 of the MYH9 protein (p.Thr1414Ile). This variant is not present in population databases (gnomAD no frequency). This variant has not been reported in the literature in individuals affected with MYH9-related conditions. Invitae Evidence Modeling of protein sequence and biophysical properties (such as structural, functional, and spatial information, amino acid conservation, physicochemical variation, residue mobility, and thermodynamic stability) indicates that this missense variant is not expected to disrupt MYH9 protein function with a negative predictive value of 95%. In summary, the available evidence is currently insufficient to determine the role of this variant in disease. Therefore, it has been classified as a Variant of Uncertain Significance.